The following is an entry in ClinVar:

NM_006939.4(SOS2):c.170A>G (p.Asn57Ser)

Gene: SOS2 (SOS Ras/Rho guanine nucleotide exchange factor 2; minus strand). Cytogenetic location: 14q21.3.
Variant type: single nucleotide variant.
Coding change: c.170A>G on transcript NM_006939.4 (MANE Select); coding-DNA position 170, A replaced by G.
Protein change: p.Asn57Ser; replaces asparagine 57 with serine.
Molecular consequence: missense variant.
Genome position (GRCh38, 1-based): chr14:50,204,327, T>C on the plus strand (A>G on the coding strand, the complement: SOS2 is on the minus strand). VCF-style: chr14-50204327-T-C. GRCh37 (hg19) VCF-style: chr14-50671045-T-C.
Other names: c.170A>G, p.Asn57Ser (NM_001411020.1); short protein forms N57S.
Identifiers: ClinVar variation 4864948 (VCV004864948.1).

ClinVar aggregate classification (germline): Uncertain significance (1 of 4 stars; one submission).

Conditions:
Cardiovascular phenotype. Identifiers: MedGen CN230736.

Submission:

Ambry Genetics
Classification: Uncertain significance for Cardiovascular phenotype. Last evaluated: 2026-05-28. Review status: criteria provided, single submitter. Criteria: Ambry Variant Classification Scheme 2023. Collection method: clinical testing. Allele origin: germline.
Comment: The p.N57S variant (also known as c.170A>G), located in coding exon 2 of the SOS2 gene, results from an A to G substitution at nucleotide position 170. The asparagine at codon 57 is replaced by serine, an amino acid with highly similar properties. This amino acid position is conserved. In addition, this alteration is predicted to be tolerated by in silico analysis. Based on the available evidence, the clinical significance of this variant remains unclear.